The following is an entry in ClinVar:

NM_003482.4(KMT2D):c.10690C>T (p.Leu3564Phe)

Gene: KMT2D (lysine methyltransferase 2D; minus strand). Cytogenetic location: 12q13.12.
Variant type: single nucleotide variant.
Coding change: c.10690C>T on transcript NM_003482.4 (MANE Select); coding-DNA position 10690, C replaced by T.
Protein change: p.Leu3564Phe; replaces leucine 3564 with phenylalanine.
Molecular consequence: missense variant.
Genome position (GRCh38, 1-based): chr12:49,034,117, G>A on the plus strand (C>T on the coding strand, the complement: KMT2D is on the minus strand). VCF-style: chr12-49034117-G-A. GRCh37 (hg19) VCF-style: chr12-49427900-G-A.
Other names: short protein forms L3564F.
Identifiers: ClinVar variation 1434871 (VCV001434871.8), dbSNP rs2120452029, ClinGen allele CA384727338.

ClinVar aggregate classification (germline): Likely pathogenic (1 of 4 stars; one submission).

Conditions:
Kabuki syndrome. Also called: NIIKAWA-KUROKI SYNDROME; Kabuki make-up syndrome. Identifiers: Orphanet 2322, MedGen C0796004, MONDO:0016512.

Submission:

Labcorp Genetics (formerly Invitae), Labcorp
Classification: Likely pathogenic for Kabuki syndrome. Last evaluated: 2023-01-12. Review status: criteria provided, single submitter. Criteria: Invitae Variant Classification Sherloc (09022015). Collection method: clinical testing. Allele origin: germline.
Comment: Advanced modeling of protein sequence and biophysical properties (such as structural, functional, and spatial information, amino acid conservation, physicochemical variation, residue mobility, and thermodynamic stability) performed at Invitae indicates that this missense variant is expected to disrupt KMT2D protein function. ClinVar contains an entry for this variant (Variation ID: 1434871). This missense change has been observed in individual(s) with clinical features of KMT2D-related conditions (Invitae). This variant is not present in population databases (gnomAD no frequency). This sequence change replaces leucine, which is neutral and non-polar, with phenylalanine, which is neutral and non-polar, at codon 3564 of the KMT2D protein (p.Leu3564Phe). This variant disrupts the p.Leu3564 amino acid residue in KMT2D. Other variant(s) that disrupt this residue have been determined to be pathogenic (PMID: 29321794). This suggests that this residue is clinically significant, and that variants that disrupt this residue are likely to be disease-causing. In summary, the currently available evidence indicates that the variant is pathogenic, but additional data are needed to prove that conclusively. Therefore, this variant has been classified as Likely Pathogenic.

Literature cited by the submitters: PubMed 29321794.